The following is an entry in ClinVar:

NM_001161352.2(KCNMA1):c.1919G>A (p.Arg640Gln)

Gene: KCNMA1 (potassium calcium-activated channel subfamily M alpha 1; minus strand). Cytogenetic location: 10q22.3.
Variant type: single nucleotide variant.
Coding change: c.1919G>A on transcript NM_001161352.2 (MANE Select); coding-DNA position 1919, G replaced by A.
Protein change: p.Arg640Gln; replaces arginine 640 with glutamine.
Molecular consequence: missense variant.
Genome position (GRCh38, 1-based): chr10:77,027,832, C>T on the plus strand (G>A on the coding strand, the complement: KCNMA1 is on the minus strand). VCF-style: chr10-77027832-C-T. GRCh37 (hg19) VCF-style: chr10-78787590-C-T.
Other names: c.1919G>A, p.Arg640Gln (NM_001161353.2, NM_001271519.2, NM_001322829.2 and 7 more transcripts); c.1757G>A, p.Arg586Gln (NM_001271518.2); c.1379G>A, p.Arg460Gln (NM_001322838.2); short protein forms R586Q, R460Q, R640Q.
Identifiers: ClinVar variation 766904 (VCV000766904.17), dbSNP rs80266334, ClinGen allele CA5568306.

ClinVar aggregate classification (germline): Conflicting classifications of pathogenicity. Review status: criteria provided, conflicting classifications (1 of 4 stars). 3 submissions from 3 submitters: Uncertain significance (1); Likely benign (2). Last evaluated 2026-02-02.

Conditions:
Generalized epilepsy-paroxysmal dyskinesia syndrome (PNKD3). Also called: Generalized epilepsy and paroxysmal dyskinesia; Paroxysmal nonkinesigenic dyskinesia, 3, with or without generalized epilepsy. Identifiers: Orphanet 79137, MedGen C5574945, MONDO:0012276, OMIM 609446.

Allele frequency attached by ClinVar (database versions not stated): ExAC 0.00017; gnomAD 0.00018 and 0.00019; TOPMed 0.00018; gnomAD exomes 0.00021 and 0.00023.
gnomAD v4.1: 364 of 1,613,914 alleles (0.023%); highest among the groups gnomAD compares: Admixed American, 0.087%; no homozygotes.

Submissions (3):

Labcorp Genetics (formerly Invitae), Labcorp
Classification: Likely benign for Generalized epilepsy-paroxysmal dyskinesia syndrome. Last evaluated: 2026-02-02. Review status: criteria provided, single submitter. Criteria: Invitae Variant Classification Sherloc (09022015). Collection method: clinical testing. Allele origin: germline.

ARUP Laboratories, Molecular Genetics and Genomics, ARUP Laboratories
Classification: Uncertain significance. Last evaluated: 2025-05-06. Review status: criteria provided, single submitter. Criteria: ARUP Molecular Germline Variant Investigation Process 2024. Collection method: clinical testing. Allele origin: germline.

GeneDx
Classification: Likely benign. Last evaluated: 2024-12-19. Review status: criteria provided, single submitter. Criteria: GeneDx Variant Classification Process June 2021. Collection method: clinical testing. Allele origin: germline. Affected: yes.
Comment: See Variant Classification Assertion Criteria.